The following is an entry in ClinVar:

NM_004958.4(MTOR):c.7121del (p.Lys2374fs)

Gene: MTOR (mechanistic target of rapamycin kinase; minus strand). Cytogenetic location: 1p36.22.
Variant type: Deletion.
Coding change: c.7121del on transcript NM_004958.4 (MANE Select); coding-DNA position 7121, one base deleted (A; older notation c.7121delA).
Protein change: p.Lys2374fs; shifts the reading frame from lysine 2374.
Molecular consequence: frameshift variant.
Genome position (GRCh38, 1-based): chr1:11,114,856, T deleted on the plus strand (A on the coding strand, the reverse complement: MTOR is on the minus strand); the first of 2 consecutive T bases (chr1:11,114,856-11,114,857); deleting either gives the same sequence. VCF-style (leftmost placement, unchanged base first): chr1-11114855-CT-C. GRCh37 (hg19) VCF-style: chr1-11174912-CT-C.
Other names: c.7121del, p.Lys2374fs (NM_001386500.1); c.5873del, p.Lys1958fs (NM_001386501.1); short protein forms K1958fs, K2374fs.
Identifiers: ClinVar variation 1676555 (VCV001676555.3), dbSNP rs2100320690, ClinGen allele CA2573130825.

ClinVar aggregate classification (germline): Uncertain significance (1 of 4 stars; one submission).

Submission:

Greenwood Genetic Center Diagnostic Laboratories, Greenwood Genetic Center
Classification: Uncertain significance. Last evaluated: 2022-01-25. Review status: criteria provided, single submitter. Criteria: ACMG Guidelines, 2015. Collection method: clinical testing. Allele origin: germline. Affected: yes.
Comment: GUS for LOF